The following is an entry in ClinVar:

ClinVar aggregate classification (germline): Likely pathogenic (1 of 4 stars; one submission).

Conditions:
Cystinosis. Also called: Cystine diathesis; Cystine storage disease; Cystinoses. Identifiers: Orphanet 213, MedGen C4316899, MONDO:0016239.

Submission:

Women's Health and Genetics/Laboratory Corporation of America, LabCorp
Classification: Likely pathogenic for Cystinosis. Last evaluated: 2022-06-01. Review status: criteria provided, single submitter. Criteria: LabCorp Variant Classification Summary - May 2015. Collection method: clinical testing. Allele origin: germline.
Comment: Variant summary: The variant identified by MLPA or other technology involves the deletion of exons 1-12 (i.e. the full coding sequence) of the CTNS gene. A presumed nomenclature of c.(?_-594)_(*2735_?)del has been designated for the purposes of this classification. Since exact breakpoints of this deletion are not known, it might extend beyond the assayed region of the CTNS gene, including other flanking genes. A large deletion variant (52,852 bp) that includes the CTNS gene, and extends downstream including other flanking genes, was found at a frequency of 5e-05 (i.e. 1 allele) in 19928 control chromosomes (gnomAD, structural variants dataset). A large deletion variant that involved the CTNS gene together with (a large part) of the upstream gene (SHPK) has been reported in the literature in the heterozygous state in an individual affected with argyrophilic grain disease, however, no supportive evidence for causality was provided (Villela_2013). This report does not provide unequivocal conclusions about association of the variant with Cystinosis. No clinical diagnostic laboratories have submitted clinical-significance assessments for this variant to ClinVar after 2014. Based on the evidence outlined above, the variant was classified as likely pathogenic.

Literature cited by the submitters: PubMed 24385851.

NC_000017.10:g.(?_3539761)_(3566398_?)del

Genes: TAX1BP3 (Tax1 binding protein 3; minus strand), CTNS (cystinosin, lysosomal cystine transporter; plus strand). Cytogenetic location: 17p13.2.
Variant type: Deletion.
Identifiers: ClinVar variation 1698538 (VCV001698538.1).